The following is an entry in ClinVar:

ClinVar aggregate classification (germline): Benign (1 of 4 stars; one submission).

Conditions:
3-Oxo-5 alpha-steroid delta 4-dehydrogenase deficiency (PPSH). Also called: 46,XY disorder of sex development due to 5-alpha-reductase 2 deficiency; PSEUDOVAGINAL PERINEOSCROTAL HYPOSPADIAS; FAMILIAL INCOMPLETE MALE PSEUDOHERMAPHRODITISM, TYPE 2; MALE PSEUDOHERMAPHRODITISM DUE TO 5-ALPHA-REDUCTASE DEFICIENCY. Identifiers: Orphanet 753, MedGen C0268297, MONDO:0009923, OMIM 264600. Disease mechanism: loss of function.

Allele frequency attached by ClinVar (database versions not stated): gnomAD exomes 0.00064; gnomAD 0.00357 and 0.00370; TOPMed 0.00383; 1000 Genomes Project 0.00539; 1000 Genomes Project 30x 0.00562.
gnomAD v4.1: 598 of 252,346 alleles (0.24%); highest among the groups gnomAD compares: African/African-American, 1.3%; 4 homozygotes.

Submission:

Illumina Laboratory Services, Illumina
Classification: Benign for 3-Oxo-5 alpha-steroid delta 4-dehydrogenase deficiency. Last evaluated: 2018-01-13. Review status: criteria provided, single submitter. Criteria: ICSL Variant Classification Criteria 13 December 2019. Collection method: clinical testing. Allele origin: germline.
Comment: This variant was observed in the ICSL laboratory as part of a predisposition screen in an ostensibly healthy population. It had not been previously curated by ICSL or reported in the Human Gene Mutation Database (HGMD: prior to June 1st, 2018), and was therefore a candidate for classification through an automated scoring system. Utilizing variant allele frequency, disease prevalence and penetrance estimates, and inheritance mode, an automated score was calculated to assess if this variant is too frequent to cause the disease. Based on the score and internal cut-off values, a variant classified as benign is not then subjected to further curation. The score for this variant resulted in a classification of benign for this disease.

NM_000348.4(SRD5A2):c.*372G>A

Gene: SRD5A2 (steroid 5 alpha-reductase 2; minus strand). Cytogenetic location: 2p23.1.
Variant type: single nucleotide variant.
Coding change: c.*372G>A on transcript NM_000348.4 (MANE Select); 372 bases downstream of the stop codon, G replaced by A.
Molecular consequence: 3 prime UTR variant.
Genome position (GRCh38, 1-based): chr2:31,525,824, C>T on the plus strand (G>A on the coding strand, the complement: SRD5A2 is on the minus strand). VCF-style: chr2-31525824-C-T. GRCh37 (hg19) VCF-style: chr2-31750894-C-T.
Identifiers: ClinVar variation 896071 (VCV000896071.4), dbSNP rs147184986, ClinGen allele CA45135910.